The following is an entry in ClinVar:

ClinVar aggregate classification (germline): Uncertain significance (1 of 4 stars; one submission).

Conditions:
Hereditary cancer-predisposing syndrome. Also called: Tumor predisposition; Neoplastic Syndromes, Hereditary; Hereditary Cancer Syndrome; Hereditary neoplastic syndrome. Identifiers: Orphanet 140162, MedGen C0027672, MeSH D009386, MONDO:0015356.

Submission:

Ambry Genetics
Classification: Uncertain significance for Hereditary cancer-predisposing syndrome. Last evaluated: 2024-07-28. Review status: criteria provided, single submitter. Criteria: Ambry Variant Classification Scheme 2023. Collection method: clinical testing. Allele origin: germline.
Comment: The p.K160N variant (also known as c.480A>T), located in coding exon 4 of the EPCAM gene, results from an A to T substitution at nucleotide position 480. The lysine at codon 160 is replaced by asparagine, an amino acid with similar properties. This amino acid position is conserved. In addition, this alteration is predicted to be tolerated by in silico analysis. Based on the available evidence, the clinical significance of this variant remains unclear.

NM_002354.3(EPCAM):c.480A>T (p.Lys160Asn)

Gene: EPCAM (epithelial cell adhesion molecule; plus strand). Cytogenetic location: 2p21.
Variant type: single nucleotide variant.
Coding change: c.480A>T on transcript NM_002354.3 (MANE Select); coding-DNA position 480, A replaced by T.
Protein change: p.Lys160Asn; replaces lysine 160 with asparagine.
Molecular consequence: missense variant.
Genome position (GRCh38, 1-based): chr2:47,375,288, A>T. VCF-style: chr2-47375288-A-T. GRCh37 (hg19) VCF-style: chr2-47602427-A-T.
Other names: short protein forms K160N.
Identifiers: ClinVar variation 3509164 (VCV003509164.1).